The following is an entry in ClinVar:

ClinVar aggregate classification (germline): Uncertain significance. Review status: criteria provided, multiple submitters, no conflicts (2 of 4 stars). 2 submissions from 2 submitters: Uncertain significance (2). Last evaluated 2026-01-12.

Conditions:
Arrhythmogenic right ventricular dysplasia 13. Also called: ARRHYTHMOGENIC RIGHT VENTRICULAR CARDIOMYOPATHY 13; Arrhythmogenic right ventricular dysplasia, familial, 13. Identifiers: MedGen C3810138, MONDO:0000908, OMIM 615616.

Allele frequency attached by ClinVar (database versions not stated): TOPMed below 0.00001; ExAC 0.00002; gnomAD 0.00002; gnomAD exomes 0.00002 and 0.00003.
gnomAD v4.1: 47 of 1,612,780 alleles (0.0029%); highest among the groups gnomAD compares: African/African-American, 0.004%; no homozygotes.

Submissions (2):

Labcorp Genetics (formerly Invitae), Labcorp
Classification: Uncertain significance for Arrhythmogenic right ventricular dysplasia 13. Last evaluated: 2026-01-12. Review status: criteria provided, single submitter. Criteria: Invitae Variant Classification Sherloc (09022015). Collection method: clinical testing. Allele origin: germline.
Comment: This sequence change creates a premature translational stop signal (p.Arg208*) in the CTNNA3 gene. It is expected to result in an absent or disrupted protein product. However, the current clinical and genetic evidence is not sufficient to establish whether loss-of-function variants in CTNNA3 cause disease. This variant is present in population databases (rs755323657, gnomAD 0.005%). This variant has not been reported in the literature in individuals affected with CTNNA3-related conditions. ClinVar contains an entry for this variant (Variation ID: 222537). In summary, the available evidence is currently insufficient to determine the role of this variant in disease. Therefore, it has been classified as a Variant of Uncertain Significance.

Blueprint Genetics
Classification: Uncertain significance. Last evaluated: 2020-09-22. Review status: criteria provided, single submitter. Criteria: ACMG Guidelines, 2015. Collection method: clinical testing. Allele origin: germline.

NM_013266.4(CTNNA3):c.622C>T (p.Arg208Ter)

Gene: CTNNA3 (catenin alpha 3; minus strand). Cytogenetic location: 10q21.3.
Variant type: single nucleotide variant.
Coding change: c.622C>T on transcript NM_013266.4 (MANE Select); coding-DNA position 622, C replaced by T.
Protein change: p.Arg208Ter; replaces arginine 208 with a stop codon.
Molecular consequence: nonsense.
Genome position (GRCh38, 1-based): chr10:67,219,828, G>A on the plus strand (C>T on the coding strand, the complement: CTNNA3 is on the minus strand). VCF-style: chr10-67219828-G-A. GRCh37 (hg19) VCF-style: chr10-68979586-G-A.
Other names: c.622C>T, p.Arg208Ter (NM_001127384.3); c.658C>T, p.Arg220Ter (NM_001291133.2); short protein forms R208*, R220*.
Identifiers: ClinVar variation 222537 (VCV000222537.8), dbSNP rs755323657, ClinGen allele CA069016.
Genomic context (GRCh38, chr10:67,219,828, plus strand): 5'-GCTCCAAACAAGCTGAACAAATTGAATGCAAGAGGGGAGAGTTCTCCTTCAGTGAAGCTC[G>A]GGCTCCTGCAATTTCATCTCTCTGATTTGGAGATTTTAAGTCCTGAGAAGGTAAATAAAA-3'